The following is an entry in ClinVar:

NM_033056.4(PCDH15):c.5260TCTCCTCCT[1] (p.1754SPP[1])

Gene: PCDH15 (protocadherin related 15; minus strand). Cytogenetic location: 10q21.1.
Variant type: Microsatellite.
Coding change: c.5260TCTCCTCCT[1] on transcript NM_033056.4 (MANE Plus Clinical); one copy of the 9-base unit TCTCCTCCT starting at c.5260; the reference has two copies in a row; one copy, 9 bases deleted; also written c.5269_5277del.
Protein change: p.1754SPP[1].
Molecular consequence: inframe deletion. On other transcripts: intron variant (8).
Genome position (GRCh38, 1-based): chr10:53,822,449-53,822,457, AGGAGGAGA deleted on the plus strand (TCTCCTCCT on the coding strand, the reverse complement: PCDH15 is on the minus strand); deleting any 9 consecutive bases within chr10:53,822,449-53,822,467 gives the same sequence; the position shown is the placement nearest the transcript's 3' end. VCF-style (leftmost placement, unchanged base first): chr10-53822448-GAGGAGGAGA-G. GRCh37 (hg19) VCF-style: chr10-55582208-GAGGAGGAGA-G.
Other names: c.5281TCTCCTCCT[1], p.1761SPP[1] (NM_001142763.2); c.5266TCTCCTCCT[1], p.1756SPP[1] (NM_001142764.2); c.5053TCTCCTCCT[1], p.1685SPP[1] (NM_001142765.2); c.5251TCTCCTCCT[1], p.1751SPP[1] (NM_001142766.2); c.5140TCTCCTCCT[1], p.1714SPP[1] (NM_001142767.2); c.5200TCTCCTCCT[1], p.1734SPP[1] (NM_001142768.2); c.5191TCTCCTCCT[1], p.1731SPP[1] (NM_001142773.2); c.5194TCTCCTCCT[1], p.1732SPP[1] (NM_001354404.2); and 8 more.
Identifiers: ClinVar variation 164903 (VCV000164903.22), dbSNP rs727503363, ClinGen allele CA177583.

ClinVar aggregate classification (germline): Benign/Likely benign. Review status: criteria provided, multiple submitters, no conflicts (2 of 4 stars). 4 submissions from 4 submitters: Benign (1); Likely benign (3). Last evaluated 2026-02-04.

Submissions (4):

Labcorp Genetics (formerly Invitae), Labcorp
Classification: Likely benign. Last evaluated: 2026-02-04. Review status: criteria provided, single submitter. Criteria: Invitae Variant Classification Sherloc (09022015). Collection method: clinical testing. Allele origin: germline.

CeGaT Center for Human Genetics Tuebingen
Classification: Likely benign. Last evaluated: 2026-02-01. Review status: criteria provided, single submitter. Criteria: CeGaT Center For Human Genetics Tuebingen Variant Classification Criteria Version 2. Collection method: clinical testing. Allele origin: germline. Affected: yes. Observed: 1 variant allele.
Comment: PCDH15: BP3

GeneDx
Classification: Likely benign. Last evaluated: 2021-12-29. Review status: criteria provided, single submitter. Criteria: GeneDx Variant Classification Process June 2021. Collection method: clinical testing. Allele origin: germline. Affected: yes.

Laboratory for Molecular Medicine, Mass General Brigham Personalized Medicine
Classification: Benign. Last evaluated: 2013-08-16. Review status: criteria provided, single submitter. Criteria: LMM Criteria. Collection method: clinical testing. Allele origin: germline. Observed: 1 variant allele.
Comment: Ser1757_Pro1759del in exon 33 of PCDH15: This variant is not expected to have c linical significance because it has been identified in 0.12% (10/8244) of Europe an American chromosomes and 0.58% (25/4260) of African American chromosomes by t he NHLBI Exome Sequencing Project